The following is an entry in ClinVar:

NM_003611.3(OFD1):c.1702C>T (p.Arg568Cys)

Gene: OFD1 (OFD1 centriole and centriolar satellite protein; plus strand). Cytogenetic location: Xp22.2.
Variant type: single nucleotide variant.
Coding change: c.1702C>T on transcript NM_003611.3 (MANE Select); coding-DNA position 1702, C replaced by T.
Protein change: p.Arg568Cys; replaces arginine 568 with cysteine.
Molecular consequence: missense variant.
Genome position (GRCh38, 1-based): chrX:13,760,162, C>T. VCF-style: chrX-13760162-C-T. GRCh37 (hg19) VCF-style: chrX-13778281-C-T.
Other names: c.1582C>T, p.Arg528Cys (NM_001330209.2); c.1282C>T, p.Arg428Cys (NM_001330210.2); short protein forms R428C, R528C, R568C.
Identifiers: ClinVar variation 2632591 (VCV002632591.1), dbSNP rs1602901073, ClinGen allele CA412343639.
Genomic context (GRCh38, chrX:13,760,162, plus strand): 5'-TTGTACCCTGCAGCCCTAGAGAATGAAGTGTACTGCAATCCAAAGCAGTCTGTGATCGAT[C>T]GTTCTGTCAATGGATTAATAAATGGCAATGTGGTGCCTTGCAATGGTGAGATAAGTGGGG-3'
Protein context (NP_003602.1, residues 558-578): YCNPKQSVID[Arg568Cys]SVNGLINGNV

ClinVar aggregate classification (germline): Uncertain significance (1 of 4 stars; one submission).

Conditions:
OFD1-related disorder. Also called: OFD1-related condition.

gnomAD v4.1: 15 of 1,211,534 alleles (0.0012%); highest among the groups gnomAD compares: Non-Finnish European, 0.0016%; no homozygotes.

Submission:

PreventionGenetics, part of Exact Sciences
Classification: Uncertain significance for OFD1-related condition. Last evaluated: 2023-07-18. Review status: criteria provided, single submitter. Criteria: ACMG Guidelines, 2015. Collection method: clinical testing. Allele origin: germline.
Comment: The OFD1 c.1702C>T variant is predicted to result in the amino acid substitution p.Arg568Cys. To our knowledge, this variant has not been reported in the literature or in a large population database, indicating this variant is rare. At this time, the clinical significance of this variant is uncertain due to the absence of conclusive functional and genetic evidence.